The following is an entry in ClinVar:

ClinVar aggregate classification (germline): Pathogenic/Likely pathogenic. Review status: criteria provided, multiple submitters, no conflicts (2 of 4 stars). 4 submissions from 4 submitters: Pathogenic (1); Likely pathogenic (3). Last evaluated 2026-03-20.

Conditions:
GPR179-related disorders.
GPR179-related disorder. Also called: GPR179-related condition.

Allele frequency attached by ClinVar (database versions not stated): gnomAD exomes below 0.00001 and 0.00001; TOPMed 0.00001; ExAC 0.00007.
gnomAD v4.1: 9 of 1,551,116 alleles (0.00058%); highest among the groups gnomAD compares: African/African-American, 0.0041%; no homozygotes.

Submissions (4):

Dasa
Classification: Likely pathogenic. Last evaluated: 2026-03-20. Review status: criteria provided, single submitter. Criteria: DASA Assertion Criteria. Collection method: clinical testing. Allele origin: germline.
Comment: NM_001004334.4(GPR179):c.1429C>T (p.Arg477*) is a nonsense variant in GPR179 predicted to introduce a premature termination codon and is predicted to result in an absent or altered protein product. Loss of function is an established disease mechanism for GPR179-associated disorders. Also, this variant is rare in population databases. Based on the currently available evidence, this variant is classified as likely pathogenic.

Labcorp Genetics (formerly Invitae), Labcorp
Classification: Pathogenic. Last evaluated: 2025-09-02. Review status: criteria provided, single submitter. Criteria: Invitae Variant Classification Sherloc (09022015). Collection method: clinical testing. Allele origin: germline.
Comment: This sequence change creates a premature translational stop signal (p.Arg477*) in the GPR179 gene. It is expected to result in an absent or disrupted protein product. Loss-of-function variants in GPR179 are known to be pathogenic (PMID: 22325361, 22325362). The frequency data for this variant in the population databases is considered unreliable, as metrics indicate poor data quality at this position in the gnomAD database. This variant has not been reported in the literature in individuals affected with GPR179-related conditions. ClinVar contains an entry for this variant (Variation ID: 1430649). For these reasons, this variant has been classified as Pathogenic.

PreventionGenetics, part of Exact Sciences
Classification: Likely pathogenic for GPR179-related condition. Last evaluated: 2023-03-28. Review status: criteria provided, single submitter. Criteria: ACMG Guidelines, 2015. Collection method: clinical testing. Allele origin: germline.
Comment: The GPR179 c.1429C>T variant is predicted to result in premature protein termination (p.Arg477*). To our knowledge, this variant has not been reported in the literature. This variant is reported in 0.0088% of alleles in individuals of South Asian descent in gnomAD. Nonsense variants in GPR179 are expected to be pathogenic. This variant is interpreted as likely pathogenic.

Blueprint Genetics
Classification: Likely pathogenic for GPR179-related disorders. Last evaluated: 2022-09-06. Review status: criteria provided, single submitter. Criteria: ACMG Guidelines, 2015. Collection method: clinical testing. Allele origin: germline. Affected: yes. Observed: 2 variant alleles.

Literature cited by the submitters: PubMed 22325361 (cited by Labcorp Genetics (formerly Invitae), Labcorp); PubMed 22325362 (cited by Labcorp Genetics (formerly Invitae), Labcorp).

NM_001004334.4(GPR179):c.1429C>T (p.Arg477Ter)

Gene: GPR179 (G protein-coupled receptor 179; minus strand). Cytogenetic location: 17q12.
Variant type: single nucleotide variant.
Coding change: c.1429C>T on transcript NM_001004334.4 (MANE Select); coding-DNA position 1429, C replaced by T.
Protein change: p.Arg477Ter; replaces arginine 477 with a stop codon.
Molecular consequence: nonsense.
Genome position (GRCh38, 1-based): chr17:38,335,249, G>A on the plus strand (C>T on the coding strand, the complement: GPR179 is on the minus strand). VCF-style: chr17-38335249-G-A. GRCh37 (hg19) VCF-style: chr17-36491132-G-A.
Other names: c.1429C>T (NM_001004334.3); short protein forms R477*.
Identifiers: ClinVar variation 1430649 (VCV001430649.9), dbSNP rs764877172, ClinGen allele CA290108730.